The following is an entry in ClinVar:

NM_006846.4(SPINK5):c.3101G>A (p.Arg1034His)

Gene: SPINK5 (serine peptidase inhibitor Kazal type 5; plus strand). Cytogenetic location: 5q32.
Variant type: single nucleotide variant.
Coding change: c.3101G>A on transcript NM_006846.4 (MANE Select); coding-DNA position 3101, G replaced by A.
Protein change: p.Arg1034His; replaces arginine 1034 with histidine.
Molecular consequence: missense variant.
Genome position (GRCh38, 1-based): chr5:148,133,802, G>A. VCF-style: chr5-148133802-G-A. GRCh37 (hg19) VCF-style: chr5-147513365-G-A.
Other names: c.3191G>A, p.Arg1064His (NM_001127698.2); short protein forms R1034H, R1064H.
Identifiers: ClinVar variation 529158 (VCV000529158.9), dbSNP rs775295911, ClinGen allele CA3496252.

ClinVar aggregate classification (germline): Uncertain significance (1 of 4 stars; one submission).

Conditions:
Ichthyosis linearis circumflexa. Identifiers: MedGen C0265962, MONDO:0043106, HP:0025810.

Allele frequency attached by ClinVar (database versions not stated): TOPMed 0.00001; ExAC 0.00002; gnomAD exomes 0.00002.
gnomAD v4.1: 28 of 1,613,744 alleles (0.0017%); highest among the groups gnomAD compares: Middle Eastern, 0.017%; no homozygotes.

Submission:

Labcorp Genetics (formerly Invitae), Labcorp
Classification: Uncertain significance for Ichthyosis linearis circumflexa. Last evaluated: 2024-12-05. Review status: criteria provided, single submitter. Criteria: Invitae Variant Classification Sherloc (09022015). Collection method: clinical testing. Allele origin: germline.
Comment: This sequence change replaces arginine, which is basic and polar, with histidine, which is basic and polar, at codon 1034 of the SPINK5 protein (p.Arg1034His). This variant is present in population databases (rs775295911, gnomAD 0.007%). This variant has not been reported in the literature in individuals affected with SPINK5-related conditions. ClinVar contains an entry for this variant (Variation ID: 529158). An algorithm developed to predict the effect of missense changes on protein structure and function outputs the following: PolyPhen-2: "Benign". The histidine amino acid residue is found in multiple mammalian species, which suggests that this missense change does not adversely affect protein function. In summary, the available evidence is currently insufficient to determine the role of this variant in disease. Therefore, it has been classified as a Variant of Uncertain Significance.